The following is an entry in ClinVar:

ClinVar aggregate classification (germline): Pathogenic/Likely pathogenic. Review status: criteria provided, multiple submitters, no conflicts (2 of 4 stars). 46 submissions from 43 submitters: Pathogenic (32); Likely pathogenic (3). 11 of the submissions do not count toward it. Last evaluated 2026-07-24.

Conditions:
Cone-rod dystrophy. Also called: Cone/cone-rod dystrophy; Cone-rod degeneration. Identifiers: Orphanet 1872, MedGen C4085590, MONDO:0015993, HP:0000548.
Ocular albinism. Identifiers: Orphanet 284804, MedGen C0078917, MeSH D016117, MONDO:0017304, HP:0001107.
NR2E3-related disorder. Also called: NR2E3-related condition; NR2E3-related disorders. Identifiers: MedGen CN239387.
Retinitis pigmentosa (RP). Identifiers: Orphanet 791, MedGen C0035334, MeSH D012174, MONDO:0019200, OMIM 268000. Inheritance: Autosomal dominant, autosomal recessive and X linked inheritance.
Enhanced S-cone syndrome (ESCS). Identifiers: Orphanet 53540, MedGen C1849394, MONDO:0100288, MONDO:0009989.
Retinitis pigmentosa 37 (RP37). Identifiers: Orphanet 791, MedGen C1970163, MONDO:0012625, OMIM 611131.
ENHANCED S-CONE SYNDROME 1 (ESCS1). Also called: RETINOSCHISIS WITH EARLY HEMERALOPIA; FAVRE HYALOIDEORETINAL DEGENERATION. Identifiers: MedGen CN380299, OMIM 268100.
Visual impairment. Also called: Impaired vision; vision problems. Identifiers: MedGen C3665347, HP:0000505.
Color vision defect. Identifiers: MedGen C0234629, HP:0000551.
Horizontal nystagmus. Identifiers: MedGen C0271385, HP:0000666.
Retinal dystrophy. Also called: Inherited retinal dystrophy. Identifiers: Orphanet 71862, MedGen C0854723, MeSH D058499, MONDO:0019118, HP:0000556.
Inborn genetic diseases. Identifiers: MedGen C0950123, MeSH D030342.
Retinal disorder. Also called: Retinal disorders; Retinopathy; Retinopathies; Retinal Diseases. Identifiers: MedGen C0035309, MONDO:0005283, HP:0000488.

Allele frequency attached by ClinVar (database versions not stated): gnomAD 0.00038; 1000 Genomes Project 0.00020; 1000 Genomes Project 30x 0.00031; TOPMed 0.00047; ExAC 0.00041; gnomAD exomes 0.00053.
gnomAD v4.1: 1,026 of 1,555,058 alleles (0.066%); highest among the groups gnomAD compares: Non-Finnish European, 0.08%; no homozygotes.

Submissions 1 to 9 of 46:

Genetics Laboratory, Great Ormond Street Hospital NHS Foundation Trust, North Thames Genomic Laboratory Hub
Classification: Pathogenic for Retinal disorders. Last evaluated: 2026-07-24. Review status: criteria provided, single submitter. Criteria: ACGS Best Practice Guidelines for Variant Classification in Rare Disease 2024 v1.2. Collection method: clinical testing. Allele origin: germline. Affected: yes.
Comment: PVS1_very-strong, PP1_strong, PM3_very-strong

PreventionGenetics, part of Exact Sciences
Classification: Pathogenic for NR2E3-related condition. Last evaluated: 2026-05-11. Review status: criteria provided, single submitter. Criteria: ACMG Guidelines, 2015. Collection method: clinical testing. Allele origin: germline.
Comment: The NR2E3 c.119-2A>C variant is predicted to disrupt the AG splice acceptor site and interfere with normal splicing. This variant has been reported, in the homozygous state or in the heterozygous state with a second probable causative variant, in individuals with NR2E3-related conditions (see for examples: Wright et al. 2004. PubMed ID: 15459973; Bandah et al. 2009. PubMed ID: 19273793; Udar et al. 2011. PubMed ID: 21364904; Table S1, Lin et al. 2024. PubMed ID: 38219857). This variant is present in 0.11% of alleles in individuals of Ashkenazi Jewish descent in gnomAD, indicating it is relatively common in this population. Variants that disrupt the consensus splice acceptor site in NR2E3 are an established mechanism of disease. This variant is interpreted as pathogenic.

Genetic Diseases Diagnosis Center, Ankara Bilkent City Hospital
Classification: Pathogenic for Retinitis pigmentosa 37. Last evaluated: 2026-02-06. Review status: criteria provided, single submitter. Criteria: ACMG Guidelines, 2015. Collection method: clinical testing. Allele origin: germline. Inheritance: Autosomal recessive inheritance. Affected: yes. Observed: 1 compound heterozygote.
Comment: The variant NR2E3 (NM_014249.4): c.119-2A>C affects the canonical splice acceptor site and is predicted to result in aberrant splicing leading to loss of normal protein function. Loss of function is a well-established disease mechanism for NR2E3, which is associated with autosomal recessive retinal dystrophy. Therefore, this variant meets PVS1 (very strong evidence of pathogenicity). This variant is absent from population databases, including gnomAD and other large-scale control cohorts, supporting PM2 (moderate evidence of pathogenicity). Based on the ACMG/AMP guidelines, the combination of PVS1 + PM2 supports classification of this variant as Likely Pathogenic.

CeGaT Center for Human Genetics Tuebingen
Classification: Pathogenic. Last evaluated: 2026-02-01. Review status: criteria provided, single submitter. Criteria: CeGaT Center For Human Genetics Tuebingen Variant Classification Criteria Version 2. Collection method: clinical testing. Allele origin: germline. Affected: yes. Observed: 11 variant alleles.
Comment: NR2E3: PM3:Very Strong, PVS1, PM2

Labcorp Genetics (formerly Invitae), Labcorp
Classification: Pathogenic. Last evaluated: 2026-01-28. Review status: criteria provided, single submitter. Criteria: Invitae Variant Classification Sherloc (09022015). Collection method: clinical testing. Allele origin: germline.
Comment: This sequence change affects an acceptor splice site in intron 1 of the NR2E3 gene. It is expected to disrupt RNA splicing. Variants that disrupt the donor or acceptor splice site typically lead to a loss of protein function (PMID: 16199547), and loss-of-function variants in NR2E3 are known to be pathogenic (PMID: 15459973, 27522502). This variant is present in population databases (rs2723341, gnomAD 0.1%), and has an allele count higher than expected for a pathogenic variant. Disruption of this splice site has been observed in individual(s) with autosomal recessive enhanced S-cone syndrome (PMID: 10655056, 24474277, 25079116). It has also been observed to segregate with disease in related individuals. This variant is also known as c.118-2A>C. ClinVar contains an entry for this variant (Variation ID: 191059). Studies have shown that disruption of this splice site alters mRNA splicing and is expected to lead to the loss of protein expression (PMID: 18294254). For these reasons, this variant has been classified as Pathogenic.

3billion
Classification: Pathogenic for NR2E3-related disorder. Last evaluated: 2026-01-26. Review status: criteria provided, single submitter. Criteria: ACMG Guidelines, 2015. Collection method: clinical testing. Allele origin: germline. Affected: yes.
Comment: The variant is observed at an extremely low frequency in the gnomAD v4.1.0 dataset (total allele frequency: 0.066%). Predicted Consequence/Location: Canonical splice site: predicted to alter splicing and result in a loss or disruption of normal protein function. Multiple pathogenic loss-of-function variants are reported downstream of the variant. In silico tools predict the variant to alter splicing and produce an abnormal transcript [SpliceAI: 0.96 (spliceogenicity >=0.2, non-spliceogenicity <0.1)]. The variant has been reported to be in trans with a pathogenic variant as either compound heterozygous or homozygous in at least one similarly affected unrelated individual (3billion dataset). The variant has been reported at least twice as pathogenic with clinical assertions and evidence for the classification (ClinVar ID: VCV000191059 /PMID: 10655056 /3billion dataset). Therefore, this variant is classified as Pathogenic according to the recommendation of ACMG/AMP guideline.

Dasa
Classification: Pathogenic. Last evaluated: 2026-01-19. Review status: criteria provided, single submitter. Criteria: DASA Assertion Criteria. Collection method: clinical testing. Allele origin: germline.
Comment: NM_014249.4(NR2E3):c.119-2A>C affects a canonical splice site and is predicted to disrupt normal RNA splicing, leading to loss of normal protein function. Loss-of-function is an established mechanism of disease for this gene. Functional evidence supports a deleterious effect on the gene or gene product (PMID: 18294254). This variant has been reported in individuals with related phenotype (PMID: 18294254). Segregation evidence has been reported in affected families. Based on the available data, this variant is classified as pathogenic.

Variantyx, Inc.
Classification: Pathogenic for Retinitis pigmentosa 37. Last evaluated: 2025-12-26. Review status: criteria provided, single submitter. Criteria: Variantyx Assertion Criteria 2022. Collection method: clinical testing. Allele origin: germline. Inheritance: Autosomal dominant inheritance. Affected: no.
Comment: This is a canonical splicing variant in the NR2E3 gene (OMIM: 604485). Pathogenic variants in this gene have been associated with autosomal recessive retinitis pigmentosa 37. This splicing variant is expected to result in loss of function, which is a known disease mechanism for NR2E3 in this disorder (PMID: 15459973, 27522502, 23989059, 18294254) (PVS1). This variant has been reported in the homozygous or compound heterozygous state in many unrelated affected individuals (PMID: 19718767, 21217109, 23989059) (PM3). It has a 0.0989% maximum allele frequency in non-founder control populations. Based on the current evidence, this variant is classified as pathogenic for autosomal recessive retinitis pigmentosa 37.

Natera, Inc.
Classification: Pathogenic for Enhanced S cone syndrome. Last evaluated: 2025-08-27. Review status: criteria provided, single submitter. Criteria: Natera Variant Classification Schema (03/2026). Collection method: clinical testing. Allele origin: germline.
Comment: The c.119-2A>C variant in NR2E3 is a canonical splice acceptor site variant predicted to affect pre-mRNA splicing, which may result in an abnormal transcript and altered protein product. This variant is expected to result in nonsense mediated decay, truncation, or a dysfunctional protein product. This variant has been observed in one or more individuals affected with the associated recessive disease, as either homozygous or compound heterozygous with a second variant (PMID: 27033713, 31877679). Functional studies show that this variant may disrupt protein function (PMID: 30959774). Given the available evidence, this variant is classified as Pathogenic.

NM_014249.4(NR2E3):c.119-2A>C

Gene: NR2E3 (nuclear receptor subfamily 2 group E member 3; plus strand). Cytogenetic location: 15q23.
Variant type: single nucleotide variant.
Coding change: c.119-2A>C on transcript NM_014249.4 (MANE Select); the canonical splice acceptor site of the intron before coding-DNA position 119, A replaced by C.
Molecular consequence: splice acceptor variant.
Genome position (GRCh38, 1-based): chr15:71,811,481, A>C. VCF-style: chr15-71811481-A-C. GRCh37 (hg19) VCF-style: chr15-72103821-A-C.
Other names: NP_055064.1:p.?; IVS1AS, A-C; c.119-2A>C (NM_016346.4).
Identifiers: ClinVar variation 191059 (VCV000191059.107), dbSNP rs2723341, ClinGen allele CA235931.